The following is an entry in ClinVar:

ClinVar aggregate classification (germline): Uncertain significance (1 of 4 stars; one submission).

gnomAD v4.1: 5 of 1,613,992 alleles (0.00031%); highest among the groups gnomAD compares: Non-Finnish European, 0.00025%; no homozygotes.

Submission:

Labcorp Genetics (formerly Invitae), Labcorp
Classification: Uncertain significance. Last evaluated: 2025-09-08. Review status: criteria provided, single submitter. Criteria: Invitae Variant Classification Sherloc (09022015). Collection method: clinical testing. Allele origin: germline.
Comment: This sequence change replaces glycine, which is neutral and non-polar, with glutamic acid, which is acidic and polar, at codon 607 of the ITGAM protein (p.Gly607Glu). This variant is not present in population databases (gnomAD no frequency). This variant has not been reported in the literature in individuals affected with ITGAM-related conditions. ClinVar contains an entry for this variant (Variation ID: 3671233). An algorithm developed to predict the effect of missense changes on protein structure and function outputs the following: PolyPhen-2: "Possibly Damaging". The glutamic acid amino acid residue is found in multiple mammalian species, which suggests that this missense change does not adversely affect protein function. In summary, the available evidence is currently insufficient to determine the role of this variant in disease. Therefore, it has been classified as a Variant of Uncertain Significance.

NM_000632.4(ITGAM):c.1820G>A (p.Gly607Glu)

Gene: ITGAM (integrin subunit alpha M; plus strand). Cytogenetic location: 16p11.2.
Variant type: single nucleotide variant.
Coding change: c.1820G>A on transcript NM_000632.4 (MANE Select); coding-DNA position 1820, G replaced by A.
Protein change: p.Gly607Glu; replaces glycine 607 with glutamic acid.
Molecular consequence: missense variant.
Genome position (GRCh38, 1-based): chr16:31,321,353, G>A. VCF-style: chr16-31321353-G-A. GRCh37 (hg19) VCF-style: chr16-31332674-G-A.
Other names: c.1823G>A, p.Gly608Glu (NM_001145808.2); short protein forms G607E, G608E.
Identifiers: ClinVar variation 3671233 (VCV003671233.2).
Genomic context (GRCh38, chr16:31,321,353, plus strand): 5'-TGAGTGGGGGCCAGGACCTCACAATGGATGGACTGGTAGACCTGACTGTAGGAGCCCAGG[G>A]GCACGTGCTGCTGCTCAGGTGAGAATGCCTTTTGGAGTCAACCGGACATTCTCCCTTGAA-3'
Protein context (NP_000623.2, residues 597-617): GLVDLTVGAQ[Gly607Glu]HVLLLRSQPV